The following is an entry in ClinVar:

ClinVar aggregate classification (germline): Benign. Review status: criteria provided, multiple submitters, no conflicts (2 of 4 stars). 5 submissions from 5 submitters: Benign (4). 1 of the submissions does not count toward it. Last evaluated 2026-02-01.

Conditions:
Van der Woude syndrome 2 (VWS2). Identifiers: Orphanet 888, MedGen C1847604, MONDO:0011712, OMIM 606713.
GRHL3-related disorder. Also called: GRHL3-related condition.

Allele frequency attached by ClinVar (database versions not stated): 1000 Genomes Project 30x 0.01702; 1000 Genomes Project 0.01817; TOPMed 0.02874; ExAC 0.03248; gnomAD 0.03308 and 0.03385; ESP Exome Variant Server 0.03352; gnomAD exomes 0.04060 and 0.03354.
gnomAD v4.1: 64,036 of 1,613,150 alleles (4%); highest among the groups gnomAD compares: Non-Finnish European, 4.5%; 1,470 homozygotes.

Submissions (5):

Labcorp Genetics (formerly Invitae), Labcorp
Classification: Benign for Van der Woude syndrome 2. Last evaluated: 2026-02-01. Review status: criteria provided, single submitter. Criteria: Invitae Variant Classification Sherloc (09022015). Collection method: clinical testing. Allele origin: germline.

Blueprint Genetics
Classification: Benign. Last evaluated: 2024-11-26. Review status: criteria provided, single submitter. Criteria: ACMG Guidelines, 2015. Collection method: clinical testing. Allele origin: germline.

GeneDx
Classification: Benign. Last evaluated: 2021-05-04. Review status: criteria provided, single submitter. Criteria: GeneDx Variant Classification Process June 2021. Collection method: clinical testing. Allele origin: germline. Affected: yes.

Breakthrough Genomics
Classification: Benign. Review status: criteria provided, single submitter. Criteria: ACMG Guidelines, 2015. Collection method: not provided. Allele origin: germline. Inheritance: Autosomal dominant inheritance. Affected: yes.

PreventionGenetics, part of Exact Sciences
Classification: Benign for GRHL3-related condition. Last evaluated: 2019-08-08. Review status: no assertion criteria provided. Collection method: clinical testing. Allele origin: germline. Not counted in ClinVar's aggregate classification.
Comment: This variant is classified as benign based on ACMG/AMP sequence variant interpretation guidelines (Richards et al. 2015 PMID: 25741868, with internal and published modifications).

NM_198173.3(GRHL3):c.1451A>G (p.Asn484Ser)

Gene: GRHL3 (grainyhead like transcription factor 3; plus strand). Cytogenetic location: 1p36.11.
Variant type: single nucleotide variant.
Coding change: c.1451A>G on transcript NM_198173.3 (MANE Select); coding-DNA position 1451, A replaced by G.
Protein change: p.Asn484Ser; replaces asparagine 484 with serine.
Molecular consequence: missense variant.
Genome position (GRCh38, 1-based): chr1:24,344,928, A>G. VCF-style: chr1-24344928-A-G. GRCh37 (hg19) VCF-style: chr1-24671418-A-G.
Other names: c.1451A>G (NM_198173.2); c.1313A>G, p.Asn438Ser (NM_001195010.2); c.1466A>G, p.Asn489Ser (NM_021180.4); c.1451A>G, p.Asn484Ser (NM_198174.3); short protein forms N438S, N484S, N489S.
Identifiers: ClinVar variation 465249 (VCV000465249.16), dbSNP rs116396279, ClinGen allele CA690230.